The following is an entry in ClinVar:

ClinVar aggregate classification (germline): Uncertain significance. Review status: criteria provided, multiple submitters, no conflicts (2 of 4 stars). 3 submissions from 3 submitters: Uncertain significance (3). Last evaluated 2025-06-09.

Conditions:
Hearing impairment. Also called: Impaired Hearing. Identifiers: MedGen C1384666, MONDO:0005365, HP:0000365.

Allele frequency attached by ClinVar (database versions not stated): ExAC 0.00001; gnomAD 0.00001; gnomAD exomes 0.00001; ESP Exome Variant Server 0.00008.
gnomAD v4.1: 26 of 1,613,626 alleles (0.0016%); highest among the groups gnomAD compares: Middle Eastern, 0.017%; no homozygotes.

Submissions (3):

GeneDx
Classification: Uncertain significance. Last evaluated: 2025-06-09. Review status: criteria provided, single submitter. Criteria: GeneDx Variant Classification Process June 2021. Collection method: clinical testing. Allele origin: germline. Affected: yes.
Comment: Not observed at significant frequency in large population cohorts (gnomAD); In silico analysis supports that this missense variant has a deleterious effect on protein structure/function; Has not been previously published as pathogenic or benign to our knowledge

Labcorp Genetics (formerly Invitae), Labcorp
Classification: Uncertain significance. Last evaluated: 2022-02-03. Review status: criteria provided, single submitter. Criteria: Invitae Variant Classification Sherloc (09022015). Collection method: clinical testing. Allele origin: germline.
Comment: Algorithms developed to predict the effect of missense changes on protein structure and function are either unavailable or do not agree on the potential impact of this missense change (SIFT: "Deleterious"; PolyPhen-2: "Probably Damaging"; Align-GVGD: "Class C0"). ClinVar contains an entry for this variant (Variation ID: 1064916). This variant has not been reported in the literature in individuals affected with ILDR1-related conditions. This variant is present in population databases (rs138709949, gnomAD 0.006%). This sequence change replaces arginine, which is basic and polar, with histidine, which is basic and polar, at codon 61 of the ILDR1 protein (p.Arg61His). In summary, the available evidence is currently insufficient to determine the role of this variant in disease. Therefore, it has been classified as a Variant of Uncertain Significance.

Department of Otolaryngology – Head & Neck Surgery, Cochlear Implant Center
Classification: Uncertain significance for Hearing impairment. Last evaluated: 2021-04-12. Review status: criteria provided, single submitter. Criteria: ClinGen HL ACMG Specifications v1. Collection method: clinical testing. Allele origin: germline. Affected: yes.
Comment: PM2_Moderate, PP3_Supporting

NM_001199799.2(ILDR1):c.182G>A (p.Arg61His)

Gene: ILDR1 (immunoglobulin like domain containing receptor 1; minus strand). Cytogenetic location: 3q13.33.
Variant type: single nucleotide variant.
Coding change: c.182G>A on transcript NM_001199799.2 (MANE Select); coding-DNA position 182, G replaced by A.
Protein change: p.Arg61His; replaces arginine 61 with histidine.
Molecular consequence: missense variant.
Genome position (GRCh38, 1-based): chr3:122,007,038, C>T on the plus strand (G>A on the coding strand, the complement: ILDR1 is on the minus strand). VCF-style: chr3-122007038-C-T. GRCh37 (hg19) VCF-style: chr3-121725885-C-T.
Other names: c.182G>A, p.Arg61His (NM_001199800.2, NM_175924.4); short protein forms R61H.
Identifiers: ClinVar variation 1064916 (VCV001064916.9), dbSNP rs138709949, ClinGen allele CA2569024.